The following is an entry in ClinVar:

ClinVar aggregate classification (germline): Likely benign (0 of 4 stars; one submission).

Conditions:
MUC16-related disorder. Also called: MUC16-related condition.

Allele frequency attached by ClinVar (database versions not stated): ESP Exome Variant Server 0.00008; gnomAD exomes 0.00021; gnomAD 0.00022; ExAC 0.00039; TOPMed 0.00046; 1000 Genomes Project 30x 0.00172; 1000 Genomes Project 0.00180.

Submission:

PreventionGenetics, part of Exact Sciences
Classification: Likely benign for MUC16-related condition. Last evaluated: 2022-03-31. Review status: no assertion criteria provided. Collection method: clinical testing. Allele origin: germline.
Comment: This variant is classified as likely benign based on ACMG/AMP sequence variant interpretation guidelines (Richards et al. 2015 PMID: 25741868, with internal and published modifications).

NM_001401501.2(MUC16):c.42380+5G>A

Gene: MUC16 (mucin 16, cell surface associated; minus strand). Cytogenetic location: 19p13.2.
Variant type: single nucleotide variant.
Coding change: c.42380+5G>A on transcript NM_001401501.2 (MANE Select); 5 bases into the intron after coding-DNA position 42380, G replaced by A.
Molecular consequence: intron variant.
Genome position (GRCh38, 1-based): chr19:8,868,536, C>T on the plus strand (G>A on the coding strand, the complement: MUC16 is on the minus strand). VCF-style: chr19-8868536-C-T. GRCh37 (hg19) VCF-style: chr19-8979212-C-T.
Other names: c.42806+5G>A (NM_001414686.1); c.42260+5G>A (NM_001414687.1); c.42154+5G>A (NM_024690.2).
Identifiers: ClinVar variation 3051705 (VCV003051705.2), dbSNP rs149481309, ClinGen allele CA9162490.